The following is an entry in ClinVar:

NM_178526.5(SLC25A42):c.32G>A (p.Arg11Gln)

Gene: SLC25A42 (solute carrier family 25 member 42; plus strand). Cytogenetic location: 19p13.11.
Variant type: single nucleotide variant.
Coding change: c.32G>A on transcript NM_178526.5 (MANE Select); coding-DNA position 32, G replaced by A.
Protein change: p.Arg11Gln; replaces arginine 11 with glutamine.
Molecular consequence: missense variant.
Genome position (GRCh38, 1-based): chr19:19,096,156, G>A. VCF-style: chr19-19096156-G-A. GRCh37 (hg19) VCF-style: chr19-19206965-G-A.
Other names: c.32G>A, p.Arg11Gln (NM_001321544.2); c.32G>A (NM_178526.3); short protein forms R11Q.
Identifiers: ClinVar variation 2070554 (VCV002070554.4), dbSNP rs761258835, ClinGen allele CA9321316.
Genomic context (GRCh38, chr19:19,096,156, plus strand): 5'-AGTCTCCTGCCATTCCGAGCAGGCCTGGTATGGGTAATGGTGTGAAGGAAGGCCCGGTGC[G>A]ATTGCATGAGGATGCTGAGGCTGTCCTGTCCTCGTCCGTCTCATCAAAGGCAAGTACCCC-3'
Protein context (NP_848621.2, residues 1-21): MGNGVKEGPV[Arg11Gln]LHEDAEAVLS

ClinVar aggregate classification (germline): Uncertain significance. Review status: criteria provided, multiple submitters, no conflicts (2 of 4 stars). 2 submissions from 2 submitters: Uncertain significance (2). Last evaluated 2025-05-07.

Conditions:
Inborn genetic diseases. Identifiers: MedGen C0950123, MeSH D030342.

Allele frequency attached by ClinVar (database versions not stated): ExAC 0.00002; gnomAD 0.00006; TOPMed 0.00002; gnomAD exomes 0.00004.
gnomAD v4.1: 69 of 1,613,406 alleles (0.0043%); highest among the groups gnomAD compares: East Asian, 0.018%; no homozygotes.

Submissions (2):

Ambry Genetics
Classification: Uncertain significance for Inborn genetic diseases. Last evaluated: 2025-05-07. Review status: criteria provided, single submitter. Criteria: Ambry Variant Classification Scheme 2023. Collection method: clinical testing. Allele origin: germline.

Labcorp Genetics (formerly Invitae), Labcorp
Classification: Uncertain significance. Last evaluated: 2022-10-24. Review status: criteria provided, single submitter. Criteria: Invitae Variant Classification Sherloc (09022015). Collection method: clinical testing. Allele origin: germline.
Comment: This sequence change replaces arginine, which is basic and polar, with glutamine, which is neutral and polar, at codon 11 of the SLC25A42 protein (p.Arg11Gln). This variant is present in population databases (rs761258835, gnomAD 0.03%). This variant has not been reported in the literature in individuals affected with SLC25A42-related conditions. Algorithms developed to predict the effect of missense changes on protein structure and function (SIFT, PolyPhen-2, Align-GVGD) all suggest that this variant is likely to be tolerated. In summary, the available evidence is currently insufficient to determine the role of this variant in disease. Therefore, it has been classified as a Variant of Uncertain Significance.